The following is an entry in ClinVar:

ClinVar aggregate classification (germline): Likely benign. Review status: criteria provided, single submitter (1 of 4 stars). 2 submissions from 2 submitters: Likely benign (1). 1 of the submissions does not count toward it. Last evaluated 2025-10-26.

Conditions:
Tietz syndrome (TADS). Also called: ALBINISM-DEAFNESS OF TIETZ; HYPOPIGMENTATION/DEAFNESS OF TIETZ; TIETZ ALBINISM-DEAFNESS SYNDROME. Identifiers: Orphanet 42665, MedGen C0391816, MONDO:0007077, OMIM 103500.
Waardenburg syndrome type 2A (WS2A). Also called: WAARDENBURG SYNDROME WITHOUT DYSTOPIA CANTHORUM. Identifiers: Orphanet 3440, MedGen C1860339, MONDO:0008671, OMIM 193510.
Melanoma, cutaneous malignant, susceptibility to, 8. Also called: MELANOMA AND RENAL CELL CARCINOMA, SUSCEPTIBILITY TO; Cutaneous malignant melanoma 8. Identifiers: Orphanet 293822, MedGen C3152204, MONDO:0013759, OMIM 614456.
MITF-related disorder. Also called: MITF-related condition.

Allele frequency attached by ClinVar (database versions not stated): gnomAD exomes below 0.00001; TOPMed below 0.00001; gnomAD 0.00001.
gnomAD v4.1: 3 of 1,592,558 alleles (0.00019%); highest among the groups gnomAD compares: East Asian, 0.0045%; no homozygotes.

Submissions (2):

Labcorp Genetics (formerly Invitae), Labcorp
Classification: Likely benign for Melanoma, cutaneous malignant, susceptibility to, 8; Waardenburg syndrome type 2A; Tietz syndrome. Last evaluated: 2025-10-26. Review status: criteria provided, single submitter. Criteria: Invitae Variant Classification Sherloc (09022015). Collection method: clinical testing. Allele origin: germline.

PreventionGenetics, part of Exact Sciences
Classification: Likely benign for MITF-related condition. Last evaluated: 2023-03-24. Review status: no assertion criteria provided. Collection method: clinical testing. Allele origin: germline. Not counted in ClinVar's aggregate classification.
Comment: This variant is classified as likely benign based on ACMG/AMP sequence variant interpretation guidelines (Richards et al. 2015 PMID: 25741868, with internal and published modifications).

NM_001354604.2(MITF):c.667-6C>T

Gene: MITF (melanocyte inducing transcription factor; plus strand). Cytogenetic location: 3p13.
Variant type: single nucleotide variant.
Coding change: c.667-6C>T on transcript NM_001354604.2 (MANE Select); 6 bases into the intron before coding-DNA position 667, C replaced by T.
Molecular consequence: intron variant.
Genome position (GRCh38, 1-based): chr3:69,941,230, C>T. VCF-style: chr3-69941230-C-T. GRCh37 (hg19) VCF-style: chr3-69990381-C-T.
Other names: c.346-6C>T (NM_000248.3, NM_000248.4, NM_198158.3); c.616-6C>T (NM_001354607.2); c.511-6C>T (NM_001354608.2, NM_001184967.2); c.667-6C>T (NM_198159.3); c.664-6C>T (NM_001354605.2, NM_001354606.2, NM_006722.3); c.619-6C>T (NM_198177.3); c.178-6C>T (NM_198178.3).
Identifiers: ClinVar variation 2940890 (VCV002940890.5), dbSNP rs1226512136, ClinGen allele CA909882542.
Genomic context (GRCh38, chr3:69,941,230, plus strand): 5'-TCTTTTTAGGTTGTGTTGCATAGTTTATTTATTTTTGTCTCTCTTCTCTTACCCTTTTTC[C>T]TACAGATGGATGATGTAATCGATGACATCATTAGCCTAGAATCAAGTTATAATGAGGAAA-3'